The following is an entry in ClinVar:

NM_017849.4(TMEM127):c.715T>A (p.Ter239Lys)

Gene: TMEM127 (transmembrane protein 127; minus strand). Cytogenetic location: 2q11.2.
Variant type: single nucleotide variant.
Coding change: c.715T>A on transcript NM_017849.4 (MANE Select); coding-DNA position 715, T replaced by A.
Protein change: p.Ter239Lys.
Molecular consequence: stop lost.
Genome position (GRCh38, 1-based): chr2:96,253,810, A>T on the plus strand (T>A on the coding strand, the complement: TMEM127 is on the minus strand). VCF-style: chr2-96253810-A-T. GRCh37 (hg19) VCF-style: chr2-96919548-A-T.
Other names: c.715T>A, p.Ter239Lys (NM_001193304.3); c.463T>A, p.Ter155Lys (NM_001407282.1, NM_001407283.1).
Identifiers: ClinVar variation 2035952 (VCV002035952.4), dbSNP rs2467262453, ClinGen allele CA347650827.
Genomic context (GRCh38, chr2:96,253,810, plus strand): 5'-CGAGAGGAGCTGCAGAGTTGAGGGAGGGGCTGCCGAGGAAGAGAGCCCAGGGCTGGCATT[A>T]GGGTGTGTAAGCAGGGGGTGGCTGGAACTGGTTGATGACCTCATATTCCGCCGGGTAGGG-3'

ClinVar aggregate classification (germline): Uncertain significance (1 of 4 stars; one submission).

Conditions:
Hereditary pheochromocytoma and paraganglioma. Also called: Hereditary paragangliomas and pheochromocytomas; Hereditary Paraganglioma-Pheochromocytoma Syndromes; Hereditary pheochromocytoma-paraganglioma. Identifiers: Orphanet 29072, MedGen C4274332, MONDO:0017366.

Submission:

Labcorp Genetics (formerly Invitae), Labcorp
Classification: Uncertain significance for Hereditary pheochromocytoma and paraganglioma. Last evaluated: 2022-10-18. Review status: criteria provided, single submitter. Criteria: Invitae Variant Classification Sherloc (09022015). Collection method: clinical testing. Allele origin: germline.
Comment: This variant has not been reported in the literature in individuals affected with TMEM127-related conditions. In summary, the available evidence is currently insufficient to determine the role of this variant in disease. Therefore, it has been classified as a Variant of Uncertain Significance. This variant is not present in population databases (gnomAD no frequency). This sequence change disrupts the translational stop signal of the TMEM127 mRNA. It is expected to extend the length of the TMEM127 protein by 33 additional amino acid residues.